The following is an entry in ClinVar:

NC_000003.11:g.(?_47205324)_(47205434_?)dup

Gene: SETD2 (SET domain containing 2, histone lysine methyltransferase; minus strand). Cytogenetic location: 3p21.31.
Variant type: Duplication.
Identifiers: ClinVar variation 1015726 (VCV001015726.2).

ClinVar aggregate classification (germline): Uncertain significance (1 of 4 stars; one submission).

Conditions:
Luscan-Lumish syndrome. Identifiers: Orphanet 597738, MedGen C4085873, MONDO:0014791, OMIM 616831.

Submission:

Labcorp Genetics (formerly Invitae), Labcorp
Classification: Uncertain significance for Luscan-Lumish syndrome. Last evaluated: 2022-07-05. Review status: criteria provided, single submitter. Criteria: Invitae Variant Classification Sherloc (09022015). Collection method: clinical testing. Allele origin: germline.
Comment: This variant results in a copy number gain of the genomic region encompassing exon(s) 1 of the SETD2 gene. This region includes the initiator codon of the gene. This copy number gain extends beyond the assayed region for this gene and therefore may encompass additional genes. As the precise location of this event is unknown, it may be in tandem or it may be located elsewhere in the genome. This variant has not been reported in the literature in individuals affected with SETD2-related conditions. Experimental studies and prediction algorithms are not available or were not evaluated, and the functional significance of this variant is currently unknown. In summary, the available evidence is currently insufficient to determine the role of this variant in disease. Therefore, it has been classified as a Variant of Uncertain Significance.